The following is an entry in ClinVar:

NM_006031.6(PCNT):c.5745G>A (p.Ala1915=)

Gene: PCNT (pericentrin; plus strand). Cytogenetic location: 21q22.3.
Variant type: single nucleotide variant.
Coding change: c.5745G>A on transcript NM_006031.6 (MANE Select); coding-DNA position 5745, G replaced by A.
Protein change: p.Ala1915=; no amino-acid change (alanine 1915 retained).
Molecular consequence: synonymous variant.
Genome position (GRCh38, 1-based): chr21:46,411,818, G>A. VCF-style: chr21-46411818-G-A. GRCh37 (hg19) VCF-style: chr21-47831732-G-A.
Other names: c.5745G>A (NM_006031.5); c.5391G>A, p.Ala1797= (NM_001315529.2).
Identifiers: ClinVar variation 2981554 (VCV002981554.4), dbSNP rs1401062294, ClinGen allele CA513173998.

ClinVar aggregate classification (germline): Likely benign. Review status: criteria provided, multiple submitters, no conflicts (2 of 4 stars). 2 submissions from 2 submitters: Likely benign (2). Last evaluated 2025-05-07.

Conditions:
PCNT-related disorder. Also called: PCNT-related condition.

Allele frequency attached by ClinVar (database versions not stated): gnomAD 0.00001.
gnomAD v4.1: 12 of 1,576,350 alleles (0.00076%); highest among the groups gnomAD compares: Admixed American, 0.0018%; no homozygotes.

Submissions (2):

PreventionGenetics, part of Exact Sciences
Classification: Likely benign for PCNT-related condition. Last evaluated: 2025-05-07. Review status: criteria provided, single submitter. Criteria: ACMG Guidelines, 2015. Collection method: clinical testing. Allele origin: germline.
Comment: This variant is classified as likely benign based on ACMG/AMP sequence variant interpretation guidelines (Richards et al. 2015 PMID: 25741868, with internal and published modifications).

Labcorp Genetics (formerly Invitae), Labcorp
Classification: Likely benign. Last evaluated: 2023-05-13. Review status: criteria provided, single submitter. Criteria: Invitae Variant Classification Sherloc (09022015). Collection method: clinical testing. Allele origin: germline.